The following is an entry in ClinVar:

ClinVar aggregate classification (germline): Pathogenic. Review status: criteria provided, multiple submitters, no conflicts (2 of 4 stars). 2 submissions from 2 submitters: Pathogenic (2). Last evaluated 2022-08-31.

Conditions:
TSC2-related disorder. Also called: TSC2-Related Disorders; TSC2-related condition.

Submissions (2):

Blueprint Genetics
Classification: Pathogenic for TSC2-related disorders. Last evaluated: 2022-08-31. Review status: criteria provided, single submitter. Criteria: ACMG Guidelines, 2015. Collection method: clinical testing. Allele origin: germline. Affected: yes. Observed: 1 variant allele.

GeneDx
Classification: Pathogenic. Last evaluated: 2017-08-10. Review status: criteria provided, single submitter. Criteria: GeneDx Variant Classification (06012015). Collection method: clinical testing. Allele origin: germline. Affected: yes.
Comment: The E138X nonsense variant in the TSC2 gene is predicted to cause loss of normal protein functioneither through protein truncation or nonsense-mediated mRNA decay. The E138X variant is notobserved in large population cohorts (Lek et al., 2016; 1000 Genomes Consortium et al., 2015;Exome Variant Server). Although this pathogenic variant has not been reported previously to ourknowledge, its presence is consistent with a diagnosis of TSC

NM_000548.5(TSC2):c.412G>T (p.Glu138Ter)

Gene: TSC2 (TSC complex subunit 2; plus strand). Cytogenetic location: 16p13.3.
Variant type: single nucleotide variant.
Coding change: c.412G>T on transcript NM_000548.5 (MANE Select); coding-DNA position 412, G replaced by T.
Protein change: p.Glu138Ter; replaces glutamic acid 138 with a stop codon.
Molecular consequence: nonsense. On other transcripts: intron variant (1).
Genome position (GRCh38, 1-based): chr16:2,054,371, G>T. VCF-style: chr16-2054371-G-T. GRCh37 (hg19) VCF-style: chr16-2104372-G-T.
Other names: c.412G>T, p.Glu138Ter (NM_001077183.3, NM_001114382.3, NM_001363528.2 and 3 more transcripts); c.301G>T, p.Glu101Ter (NM_001318827.2); c.265G>T, p.Glu89Ter (NM_001318829.2); c.445G>T, p.Glu149Ter (NM_001318832.2); c.-1-1825G>T (NM_001318831.2); short protein forms E138*, E149*, E89*, E101*.
Identifiers: ClinVar variation 489046 (VCV000489046.3), dbSNP rs1173061992, ClinGen allele CA394307095.